The following is an entry in ClinVar:

ClinVar aggregate classification (germline): Pathogenic (1 of 4 stars; one submission).

Conditions:
Mowat-Wilson syndrome (MOWS). Also called: Classic Mowat-Wilson Syndrome. Identifiers: Orphanet 2152, MedGen C1856113, MONDO:0009341, OMIM 235730.

Submission:

Labcorp Genetics (formerly Invitae), Labcorp
Classification: Pathogenic for Mowat-Wilson syndrome. Last evaluated: 2023-08-04. Review status: criteria provided, single submitter. Criteria: Invitae Variant Classification Sherloc (09022015). Collection method: clinical testing. Allele origin: germline.
Comment: For these reasons, this variant has been classified as Pathogenic. This variant has not been reported in the literature in individuals affected with ZEB2-related conditions. This variant is not present in population databases (gnomAD no frequency). This sequence change creates a premature translational stop signal (p.Val883Serfs*8) in the ZEB2 gene. It is expected to result in an absent or disrupted protein product. Loss-of-function variants in ZEB2 are known to be pathogenic (PMID: 16053902).

Literature cited by the submitters: PubMed 16053902.

NM_014795.4(ZEB2):c.2645dup (p.Val883fs)

Gene: ZEB2 (zinc finger E-box binding homeobox 2; minus strand). Cytogenetic location: 2q22.3.
Variant type: Duplication.
Coding change: c.2645dup on transcript NM_014795.4 (MANE Select); coding-DNA position 2645, one base duplicated (C; older notation c.2645dupC).
Protein change: p.Val883fs; shifts the reading frame from valine 883.
Molecular consequence: frameshift variant.
Genome position (GRCh38, 1-based): chr2:144,398,542, G duplicated on the plus strand (C on the coding strand, the reverse complement: ZEB2 is on the minus strand); the first of 3 consecutive G bases (chr2:144,398,542-144,398,544); duplicating any one gives the same sequence. VCF-style (leftmost placement, unchanged base first): chr2-144398541-T-TG. GRCh37 (hg19) VCF-style: chr2-145156108-T-TG.
Other names: c.2573dup, p.Val859fs (NM_001171653.2); short protein forms V859fs, V883fs.
Identifiers: ClinVar variation 2806244 (VCV002806244.3), dbSNP rs2549105793, ClinGen allele CA2739271223.